The following is an entry in ClinVar:

ClinVar aggregate classification (germline): Benign/Likely benign. Review status: criteria provided, multiple submitters, no conflicts (2 of 4 stars). 3 submissions from 3 submitters: Benign (1); Likely benign (1). 1 of the submissions does not count toward it. Last evaluated 2024-10-30.

Conditions:
CELSR3-related disorder. Also called: CELSR3-related condition.

Allele frequency attached by ClinVar (database versions not stated): ESP Exome Variant Server 0.00038; TOPMed 0.00042; gnomAD 0.00083; ExAC 0.00172; 1000 Genomes Project 0.00200; 1000 Genomes Project 30x 0.00234.
gnomAD v4.1: 1,275 of 1,614,110 alleles (0.079%); highest among the groups gnomAD compares: East Asian, 0.48%; 5 homozygotes.

Submissions (3):

Blueprint Genetics
Classification: Likely benign. Last evaluated: 2024-10-30. Review status: criteria provided, single submitter. Criteria: ACMG Guidelines, 2015. Collection method: clinical testing. Allele origin: germline.

CeGaT Center for Human Genetics Tuebingen
Classification: Benign. Last evaluated: 2023-07-01. Review status: criteria provided, single submitter. Criteria: CeGaT Center For Human Genetics Tuebingen Variant Classification Criteria Version 2. Collection method: clinical testing. Allele origin: germline. Affected: yes. Observed: 1 variant allele.
Comment: CELSR3: BS1, BS2

PreventionGenetics, part of Exact Sciences
Classification: Likely benign for CELSR3-related condition. Last evaluated: 2019-04-29. Review status: no assertion criteria provided. Collection method: clinical testing. Allele origin: germline. Not counted in ClinVar's aggregate classification.
Comment: This variant is classified as likely benign based on ACMG/AMP sequence variant interpretation guidelines (Richards et al. 2015 PMID: 25741868, with internal and published modifications).

NM_001407.3(CELSR3):c.1961C>T (p.Thr654Met)

Gene: CELSR3 (cadherin EGF LAG seven-pass G-type receptor 3; minus strand). Cytogenetic location: 3p21.31.
Variant type: single nucleotide variant.
Coding change: c.1961C>T on transcript NM_001407.3 (MANE Select); coding-DNA position 1961, C replaced by T.
Protein change: p.Thr654Met; replaces threonine 654 with methionine.
Molecular consequence: missense variant.
Genome position (GRCh38, 1-based): chr3:48,660,674, G>A on the plus strand (C>T on the coding strand, the complement: CELSR3 is on the minus strand). VCF-style: chr3-48660674-G-A. GRCh37 (hg19) VCF-style: chr3-48698107-G-A.
Other names: c.1961C>T (NM_001407.2); short protein forms T654M.
Identifiers: ClinVar variation 2653803 (VCV002653803.26), dbSNP rs140688880, ClinGen allele CA2385345.